The following is an entry in ClinVar:

ClinVar aggregate classification (germline): Uncertain significance (1 of 4 stars; one submission).

Conditions:
Familial hypocalciuric hypercalcemia (FHH). Also called: Familial benign hypercalcemia. Identifiers: Orphanet 405, MedGen C1809471, MONDO:0018458.
Autosomal dominant hypocalcemia 1 (HYPOC1). Also called: HYPOCALCEMIA, FAMILIAL. Identifiers: MedGen C3715128, MONDO:0011013, OMIM 601198.

Submission:

Labcorp Genetics (formerly Invitae), Labcorp
Classification: Uncertain significance for Familial hypocalciuric hypercalcemia; Autosomal dominant hypocalcemia 1. Last evaluated: 2023-04-12. Review status: criteria provided, single submitter. Criteria: Invitae Variant Classification Sherloc (09022015). Collection method: clinical testing. Allele origin: germline.
Comment: This sequence change replaces tyrosine, which is neutral and polar, with cysteine, which is neutral and slightly polar, at codon 435 of the CASR protein (p.Tyr435Cys). This variant is not present in population databases (gnomAD no frequency). This variant has not been reported in the literature in individuals affected with CASR-related conditions. An algorithm developed to predict the effect of missense changes on protein structure and function (PolyPhen-2) suggests that this variant is likely to be disruptive. In summary, the available evidence is currently insufficient to determine the role of this variant in disease. Therefore, it has been classified as a Variant of Uncertain Significance.

NM_000388.4(CASR):c.1304A>G (p.Tyr435Cys)

Gene: CASR (calcium sensing receptor; plus strand). Cytogenetic location: 3q21.1.
Variant type: single nucleotide variant.
Coding change: c.1304A>G on transcript NM_000388.4 (MANE Select); coding-DNA position 1304, A replaced by G.
Protein change: p.Tyr435Cys; replaces tyrosine 435 with cysteine.
Molecular consequence: missense variant.
Genome position (GRCh38, 1-based): chr3:122,262,339, A>G. VCF-style: chr3-122262339-A-G. GRCh37 (hg19) VCF-style: chr3-121981186-A-G.
Other names: c.1304A>G, p.Tyr435Cys (NM_001178065.2); short protein forms Y435C.
Identifiers: ClinVar variation 2946623 (VCV002946623.3), dbSNP rs1553766913, ClinGen allele CA354153036.